The following is an entry in ClinVar:

NM_017662.5(TRPM6):c.1014G>T (p.Met338Ile)

Gene: TRPM6 (transient receptor potential cation channel subfamily M member 6; minus strand). Cytogenetic location: 9q21.13.
Variant type: single nucleotide variant.
Coding change: c.1014G>T on transcript NM_017662.5 (MANE Select); coding-DNA position 1014, G replaced by T.
Protein change: p.Met338Ile; replaces methionine 338 with isoleucine.
Molecular consequence: missense variant.
Genome position (GRCh38, 1-based): chr9:74,820,424, C>A on the plus strand (G>T on the coding strand, the complement: TRPM6 is on the minus strand). VCF-style: chr9-74820424-C-A. GRCh37 (hg19) VCF-style: chr9-77435340-C-A.
Other names: c.999G>T, p.Met333Ile (NM_001177310.2, NM_001177311.2); short protein forms M338I, M333I.
Identifiers: ClinVar variation 367326 (VCV000367326.41), dbSNP rs56155062, ClinGen allele CA5084970.

ClinVar aggregate classification (germline): Benign/Likely benign. Review status: criteria provided, multiple submitters, no conflicts (2 of 4 stars). 5 submissions from 5 submitters: Benign (1); Likely benign (3). 1 of the submissions does not count toward it. Last evaluated 2026-01-19.

Conditions:
TRPM6-related disorder. Also called: TRPM6-related condition.
Intestinal hypomagnesemia 1. Also called: HYPOMAGNESEMIA, INTESTINAL, WITH SECONDARY HYPOCALCEMIA; HYPOMAGNESEMIC TETANY. Identifiers: Orphanet 30924, MedGen C1865974, MONDO:0011176, OMIM 602014.

Allele frequency attached by ClinVar (database versions not stated): 1000 Genomes Project 30x 0.00031; 1000 Genomes Project 0.00040; TOPMed 0.00134; gnomAD exomes 0.00176 and 0.00228; gnomAD 0.00196 and 0.00211; ExAC 0.00204; ESP Exome Variant Server 0.00231.
gnomAD v4.1: 3,610 of 1,614,030 alleles (0.22%); highest among the groups gnomAD compares: Non-Finnish European, 0.27%; 9 homozygotes.

Submissions (6):

Labcorp Genetics (formerly Invitae), Labcorp
Classification: Benign. Last evaluated: 2026-01-19. Review status: criteria provided, single submitter. Criteria: Invitae Variant Classification Sherloc (09022015). Collection method: clinical testing. Allele origin: germline.

CeGaT Center for Human Genetics Tuebingen
Classification: Likely benign. Last evaluated: 2025-07-01. Review status: criteria provided, single submitter. Criteria: CeGaT Center For Human Genetics Tuebingen Variant Classification Criteria Version 2. Collection method: clinical testing. Allele origin: germline. Affected: yes. Observed: 4 variant alleles.
Comment: TRPM6: BP4

Blueprint Genetics
Classification: Likely benign. Last evaluated: 2024-11-25. Review status: criteria provided, single submitter. Criteria: ACMG Guidelines, 2015. Collection method: clinical testing. Allele origin: germline.

Illumina Laboratory Services, Illumina
Classification: Likely benign for Intestinal hypomagnesemia 1. Last evaluated: 2018-01-12. Review status: criteria provided, single submitter. Criteria: ICSL Variant Classification Criteria 13 December 2019. Collection method: clinical testing. Allele origin: germline.
Comment: This variant was observed in the ICSL laboratory as part of a predisposition screen in an ostensibly healthy population. It had not been previously curated by ICSL or reported in the Human Gene Mutation Database (HGMD: prior to June 1st, 2018), and was therefore a candidate for classification through an automated scoring system. Utilizing variant allele frequency, disease prevalence and penetrance estimates, and inheritance mode, an automated score was calculated to assess if this variant is too frequent to cause the disease. Based on the score and internal cut-off values, a variant classified as likely benign is not then subjected to further curation. The score for this variant resulted in a classification of likely benign for this disease.

PreventionGenetics, part of Exact Sciences
Classification: Likely benign for TRPM6-related condition. Last evaluated: 2022-04-26. Review status: no assertion criteria provided. Collection method: clinical testing. Allele origin: germline. Not counted in ClinVar's aggregate classification.
Comment: This variant is classified as likely benign based on ACMG/AMP sequence variant interpretation guidelines (Richards et al. 2015 PMID: 25741868, with internal and published modifications).

Dr. Peter K. Rogan Lab, Western University
No classification provided (evidence only). Condition: Sarcoma. Review status: no classification provided. Collection method: in vitro. Allele origin: not applicable. Functional consequence: retained intron. Not counted in ClinVar's aggregate classification.